The following is an entry in ClinVar:

ClinVar aggregate classification (germline): Uncertain significance (1 of 4 stars; one submission).

Conditions:
Inborn genetic diseases. Identifiers: MedGen C0950123, MeSH D030342.

gnomAD v4.1: 1 of 1,573,842 alleles (0.000064%); highest among the groups gnomAD compares: Admixed American, 0.0018%; no homozygotes.

Submission:

Ambry Genetics
Classification: Uncertain significance for Inborn genetic diseases. Last evaluated: 2023-12-29. Review status: criteria provided, single submitter. Criteria: Ambry Variant Classification Scheme 2023. Collection method: clinical testing. Allele origin: germline.
Comment: The p.R269Q variant (also known as c.806G>A), located in coding exon 3 of the LTBP3 gene, results from a G to A substitution at nucleotide position 806. The arginine at codon 269 is replaced by glutamine, an amino acid with highly similar properties. This amino acid position is conserved. In addition, the in silico prediction for this alteration is inconclusive. Since supporting evidence is limited at this time, the clinical significance of this alteration remains unclear.

NM_001130144.3(LTBP3):c.806G>A (p.Arg269Gln)

Gene: LTBP3 (latent transforming growth factor beta binding protein 3; minus strand). Cytogenetic location: 11q13.1.
Variant type: single nucleotide variant.
Coding change: c.806G>A on transcript NM_001130144.3 (MANE Select); coding-DNA position 806, G replaced by A.
Protein change: p.Arg269Gln; replaces arginine 269 with glutamine.
Molecular consequence: missense variant.
Genome position (GRCh38, 1-based): chr11:65,553,759, C>T on the plus strand (G>A on the coding strand, the complement: LTBP3 is on the minus strand). VCF-style: chr11-65553759-C-T. GRCh37 (hg19) VCF-style: chr11-65321230-C-T.
Other names: c.455G>A, p.Arg152Gln (NM_001164266.1); c.806G>A, p.Arg269Gln (NM_021070.4); short protein forms R152Q, R269Q.
Identifiers: ClinVar variation 3233188 (VCV003233188.1), dbSNP rs1340825955, ClinGen allele CA381275702.
Genomic context (GRCh38, chr11:65,553,759, plus strand): 5'-ACCGGCTGCTTGGGCAGAGTGTCCTGAAAGCAGCGGCCCAGGGGCTTCTGGGTGGGCGGC[C>T]GGGGGTGCGAGGGCTTGGGGTGCGGCAGCAGGTGCTGGGAGGGGGCTGCGCTCTCGGCGT-3'
Protein context (NP_001123616.1, residues 259-279): LLPHPKPSHP[Arg269Gln]PPTQKPLGRC